The following is an entry in ClinVar:

NM_015374.3(SUN2):c.1153G>A (p.Glu385Lys)

Genes: SUN2 (Sad1 and UNC84 domain containing 2; minus strand), GTPBP1 (GTP binding protein 1; plus strand). Cytogenetic location: 22q13.1.
Variant type: single nucleotide variant.
Coding change: c.1153G>A on transcript NM_015374.3 (MANE Select); coding-DNA position 1153, G replaced by A.
Protein change: p.Glu385Lys; replaces glutamic acid 385 with lysine.
Molecular consequence: missense variant. On other transcripts: intron variant (3).
Genome position (GRCh38, 1-based): chr22:38,741,044, C>T on the plus strand (G>A on the coding strand, the complement: SUN2 is on the minus strand). VCF-style: chr22-38741044-C-T. GRCh37 (hg19) VCF-style: chr22-39137049-C-T.
Other names: c.1153G>A, p.Glu385Lys (NM_001394435.1, NM_001394436.1, NM_001394437.1 and 5 more transcripts); c.1063G>A, p.Glu355Lys (NM_001394438.1); c.1015G>A, p.Glu339Lys (NM_001394439.1, NM_001394440.1, NM_001394441.1); c.661G>A, p.Glu221Lys (NM_001394443.1); c.615-612G>A (NM_001394444.1, NM_001394445.1); c.814-634G>A (NM_001394442.1); c.1216G>A, p.Glu406Lys (NM_001199579.2, NM_001394428.1); c.1246G>A, p.Glu416Lys (NM_001394427.1); and 1 more; short protein forms E400K, E406K, E385K, E221K, E339K, E355K, E416K.
Identifiers: ClinVar variation 1413848 (VCV001413848.6), dbSNP rs1451970985, ClinGen allele CA411584933.
Genomic context (GRCh38, chr22:38,741,044, plus strand): 5'-GGCCAGCTGGTGGCGCCCAGTACCTTTGCCACTCTGACTTCAGCTGCTGGATGCGAGCCT[C>T]GGACTCCTGTGTAGGAAGAAGGGACAAATACAAGAAATACTCATCTCAGAAATTGGTGTT-3'
Protein context (NP_056189.1, residues 375-395): KKIVRASQES[Glu385Lys]ARIQQLKSEW

ClinVar aggregate classification (germline): Uncertain significance (1 of 4 stars; one submission).

Conditions:
Emery-Dreifuss muscular dystrophy (EDMD). Also called: Scapuloperoneal syndrome, X-linked (formerly); Humeroperoneal neuromuscular disease, (formerly). Identifiers: Orphanet 261, MedGen C0410189, MONDO:0016830.

Allele frequency attached by ClinVar (database versions not stated): gnomAD 0.00001; gnomAD exomes 0.00001 and 0.00002; TOPMed 0.00001.
gnomAD v4.1: 30 of 1,597,370 alleles (0.0019%); highest among the groups gnomAD compares: Middle Eastern, 0.017%; no homozygotes.

Submission:

Labcorp Genetics (formerly Invitae), Labcorp
Classification: Uncertain significance for Emery-Dreifuss muscular dystrophy. Last evaluated: 2021-09-01. Review status: criteria provided, single submitter. Criteria: Invitae Variant Classification Sherloc (09022015). Collection method: clinical testing. Allele origin: germline.
Comment: In summary, the available evidence is currently insufficient to determine the role of this variant in disease. Therefore, it has been classified as a Variant of Uncertain Significance. Algorithms developed to predict the effect of missense changes on protein structure and function are either unavailable or do not agree on the potential impact of this missense change (SIFT: "Tolerated"; PolyPhen-2: "Possibly Damaging"; Align-GVGD: "Class C0"). This variant has not been reported in the literature in individuals affected with SUN2-related conditions. This variant is not present in population databases (ExAC no frequency). This sequence change replaces glutamic acid with lysine at codon 385 of the SUN2 protein (p.Glu385Lys). The glutamic acid residue is moderately conserved and there is a small physicochemical difference between glutamic acid and lysine.